The following is an entry in ClinVar:

ClinVar aggregate classification (germline): Likely benign. Review status: criteria provided, multiple submitters, no conflicts (2 of 4 stars). 2 submissions from 2 submitters: Likely benign (2). Last evaluated 2025-07-13.

Conditions:
IMPG2-related disorder. Also called: IMPG2-related condition.

Allele frequency attached by ClinVar (database versions not stated): gnomAD exomes 0.00001 and 0.00005; ExAC 0.00004; ESP Exome Variant Server 0.00015; gnomAD 0.00015 and 0.00016; TOPMed 0.00017; 1000 Genomes Project 30x 0.00031; 1000 Genomes Project 0.00040.
gnomAD v4.1: 39 of 1,610,714 alleles (0.0024%); highest among the groups gnomAD compares: African/African-American, 0.052%; no homozygotes.

Submissions (2):

Labcorp Genetics (formerly Invitae), Labcorp
Classification: Likely benign. Last evaluated: 2025-07-13. Review status: criteria provided, single submitter. Criteria: Invitae Variant Classification Sherloc (09022015). Collection method: clinical testing. Allele origin: germline.

PreventionGenetics, part of Exact Sciences
Classification: Likely benign for IMPG2-related condition. Last evaluated: 2025-05-05. Review status: criteria provided, single submitter. Criteria: ACMG Guidelines, 2015. Collection method: clinical testing. Allele origin: germline.
Comment: This variant is classified as likely benign based on ACMG/AMP sequence variant interpretation guidelines (Richards et al. 2015 PMID: 25741868, with internal and published modifications).

NM_016247.4(IMPG2):c.502-4T>C

Gene: IMPG2 (interphotoreceptor matrix proteoglycan 2; minus strand). Cytogenetic location: 3q12.3.
Variant type: single nucleotide variant.
Coding change: c.502-4T>C on transcript NM_016247.4 (MANE Select); 4 bases into the intron before coding-DNA position 502, T replaced by C.
Molecular consequence: intron variant.
Genome position (GRCh38, 1-based): chr3:101,291,514, A>G on the plus strand (T>C on the coding strand, the complement: IMPG2 is on the minus strand). VCF-style: chr3-101291514-A-G. GRCh37 (hg19) VCF-style: chr3-101010358-A-G.
Other names: c.502-4T>C (NM_016247.3).
Identifiers: ClinVar variation 1110207 (VCV001110207.10), dbSNP rs371462380, ClinGen allele CA2519463.
Genomic context (GRCh38, chr3:101,291,514, plus strand): 5'-AATTTTGGGAAAAAGAGACACTCACCTGCTTACAGTTTCCTTTGCATAAGTCAGTTTCTA[A>G]GGAAAACAAAGATATAAAAATGACTGAGTTAACAACAGTTATTAAGGAGTAAATAAAACT-3'